The following is an entry in ClinVar:

NM_005529.7(HSPG2):c.*825G>C

Genes: HSPG2 (heparan sulfate proteoglycan 2; minus strand), LDLRAD2 (low density lipoprotein receptor class A domain containing 2; plus strand). Cytogenetic location: 1p36.12.
Variant type: single nucleotide variant.
Coding change: c.*825G>C on transcript NM_005529.7 (MANE Select); 825 bases downstream of the stop codon, G replaced by C.
Molecular consequence: 3 prime UTR variant.
Genome position (GRCh38, 1-based): chr1:21,822,491, C>G on the plus strand (G>C on the coding strand, the complement: HSPG2 is on the minus strand). VCF-style: chr1-21822491-C-G. GRCh37 (hg19) VCF-style: chr1-22148984-C-G.
Other names: c.*825G>C (NM_001291860.2); c.*276C>G (NM_001013693.3).
Identifiers: ClinVar variation 295682 (VCV000295682.5), dbSNP rs151090850, ClinGen allele CA10609130.

ClinVar aggregate classification (germline): Likely benign. Review status: criteria provided, single submitter (1 of 4 stars). 2 submissions from 1 submitter: Likely benign (2). Last evaluated 2018-01-12.

Conditions:
Schwartz-Jampel syndrome. Also called: Myotonic myopathy dwarfism chondrodystrophy and ocular and facial abnormalities. Identifiers: Orphanet 800, MedGen C0036391, MONDO:0009717.
Lethal Kniest-like syndrome (DDSH). Also called: Dyssegmental Dysplasia. Identifiers: Orphanet 1865, MedGen C1857100, MONDO:0009140, OMIM 224410.

Allele frequency attached by ClinVar (database versions not stated): 1000 Genomes Project 0.00280; TOPMed 0.00404.
gnomAD v4.1: 638 of 372,006 alleles (0.17%); highest among the groups gnomAD compares: African/African-American, 1.2%; 2 homozygotes.

Submissions (2):

Illumina Laboratory Services, Illumina
Classification: Likely benign for Schwartz-Jampel syndrome type 1. Last evaluated: 2018-01-12. Review status: criteria provided, single submitter. Criteria: ICSL Variant Classification Criteria 13 December 2019. Collection method: clinical testing. Allele origin: germline.
Comment: This variant was observed in the ICSL laboratory as part of a predisposition screen in an ostensibly healthy population. It had not been previously curated by ICSL or reported in the Human Gene Mutation Database (HGMD: prior to June 1st, 2018), and was therefore a candidate for classification through an automated scoring system. Utilizing variant allele frequency, disease prevalence and penetrance estimates, and inheritance mode, an automated score was calculated to assess if this variant is too frequent to cause the disease. Based on the score and internal cut-off values, a variant classified as likely benign is not then subjected to further curation. The score for this variant resulted in a classification of likely benign for this disease.

Illumina Laboratory Services, Illumina
Classification: Likely benign for Lethal Kniest-like syndrome. Last evaluated: 2018-01-12. Review status: criteria provided, single submitter. Criteria: ICSL Variant Classification Criteria 13 December 2019. Collection method: clinical testing. Allele origin: germline.
Comment: the same text as in the submission from Illumina Laboratory Services, Illumina above.